The following is an entry in ClinVar:

ClinVar aggregate classification (germline): Benign (1 of 4 stars; one submission).

Conditions:
Tuberous sclerosis 2 (TSC2). Identifiers: Orphanet 805, MedGen C1860707, MONDO:0013199, OMIM 613254.

Submission:

Myriad Genetics, Inc.
Classification: Benign for Tuberous sclerosis 2. Last evaluated: 2025-06-03. Review status: criteria provided, single submitter. Criteria: Myriad Autosomal Dominant, Autosomal Recessive and X-Linked Classification Criteria (2023). Collection method: clinical testing. Allele origin: unknown.
Comment: This variant is considered benign. This variant is a silent/synonymous amino acid change and it is not expected to impact splicing.

NM_000548.5(TSC2):c.4317C>T (p.Gly1439=)

Gene: TSC2 (TSC complex subunit 2; plus strand). Cytogenetic location: 16p13.3.
Variant type: single nucleotide variant.
Coding change: c.4317C>T on transcript NM_000548.5 (MANE Select); coding-DNA position 4317, C replaced by T.
Protein change: p.Gly1439=; no amino-acid change (glycine 1439 retained).
Molecular consequence: synonymous variant. On other transcripts: non-coding transcript variant (5).
Genome position (GRCh38, 1-based): chr16:2,084,539, C>T. VCF-style: chr16-2084539-C-T. GRCh37 (hg19) VCF-style: chr16-2134540-C-T.
Other names: c.4116C>T, p.Gly1372= (NM_001077183.3); c.4248C>T, p.Gly1416= (NM_001114382.3); c.4008C>T, p.Gly1336= (NM_001318827.2); c.3972C>T, p.Gly1324= (NM_001318829.2); c.3585C>T, p.Gly1195= (NM_001318831.2); c.4149C>T, p.Gly1383= (NM_001318832.2); c.4119C>T, p.Gly1373= (NM_001363528.2); c.4185C>T, p.Gly1395= (NM_001370404.1); and 26 more.
Identifiers: ClinVar variation 4071279 (VCV004071279.1).
Genomic context (GRCh38, chr16:2,084,539, plus strand): 5'-GTCAGGGACCCTGGACGGGGAAAGTGCTGCCTGGTCGGCCTCGGGCGAAGACAGTCGGGG[C>T]CAGCCCGAGGGTCCCTTGCCTTCCAGCTCCCCCCGCTCGCCCAGTGGCCTCCGGCCCCGA-3'
Protein context (NP_000539.2, residues 1429-1449): AWSASGEDSR[Gly1439=]QPEGPLPSSS